The following is an entry in ClinVar:

ClinVar aggregate classification (germline): Benign. Review status: criteria provided, multiple submitters, no conflicts (2 of 4 stars). 2 submissions from 2 submitters: Benign (2). Last evaluated 2026-02-01.

Conditions:
Retinitis pigmentosa (RP). Identifiers: Orphanet 791, MedGen C0035334, MeSH D012174, MONDO:0019200, OMIM 268000. Inheritance: Autosomal dominant, autosomal recessive and X linked inheritance.

Allele frequency attached by ClinVar (database versions not stated): 1000 Genomes Project 30x 0.00437; 1000 Genomes Project 0.00439; ESP Exome Variant Server 0.00738; gnomAD 0.00739; TOPMed 0.00779.
gnomAD v4.1: 1,944 of 1,614,046 alleles (0.12%); highest among the groups gnomAD compares: African/African-American, 2.4%; 20 homozygotes.

Submissions (2):

Labcorp Genetics (formerly Invitae), Labcorp
Classification: Benign. Last evaluated: 2026-02-01. Review status: criteria provided, single submitter. Criteria: Invitae Variant Classification Sherloc (09022015). Collection method: clinical testing. Allele origin: germline.

Illumina Laboratory Services, Illumina
Classification: Benign for Retinitis pigmentosa. Last evaluated: 2018-01-13. Review status: criteria provided, single submitter. Criteria: ICSL Variant Classification Criteria 13 December 2019. Collection method: clinical testing. Allele origin: germline.
Comment: This variant was observed in the ICSL laboratory as part of a predisposition screen in an ostensibly healthy population. It had not been previously curated by ICSL or reported in the Human Gene Mutation Database (HGMD: prior to June 1st, 2018), and was therefore a candidate for classification through an automated scoring system. Utilizing variant allele frequency, disease prevalence and penetrance estimates, and inheritance mode, an automated score was calculated to assess if this variant is too frequent to cause the disease. Based on the score and internal cut-off values, a variant classified as benign is not then subjected to further curation. The score for this variant resulted in a classification of benign for this disease.

NM_014014.5(SNRNP200):c.210-11A>T

Gene: SNRNP200 (small nuclear ribonucleoprotein U5 subunit 200; minus strand). Cytogenetic location: 2q11.2.
Variant type: single nucleotide variant.
Coding change: c.210-11A>T on transcript NM_014014.5 (MANE Select); 11 bases into the intron before coding-DNA position 210, A replaced by T.
Molecular consequence: intron variant.
Genome position (GRCh38, 1-based): chr2:96,303,341, T>A on the plus strand (A>T on the coding strand, the complement: SNRNP200 is on the minus strand). VCF-style: chr2-96303341-T-A. GRCh37 (hg19) VCF-style: chr2-96969079-T-A.
Identifiers: ClinVar variation 337567 (VCV000337567.13), dbSNP rs113877776, ClinGen allele CA1779229.